The following is an entry in ClinVar:

NM_001365951.3(KIF1B):c.782A>C (p.Lys261Thr)

Gene: KIF1B (kinesin family member 1B; plus strand). Cytogenetic location: 1p36.22.
Variant type: single nucleotide variant.
Coding change: c.782A>C on transcript NM_001365951.3 (MANE Select); coding-DNA position 782, A replaced by C.
Protein change: p.Lys261Thr; replaces lysine 261 with threonine.
Molecular consequence: missense variant.
Genome position (GRCh38, 1-based): chr1:10,271,563, A>C. VCF-style: chr1-10271563-A-C. GRCh37 (hg19) VCF-style: chr1-10331621-A-C.
Other names: c.782A>C, p.Lys261Thr (NM_001365952.1, NM_001365953.1, NM_015074.3 and 1 more transcripts); short protein forms K261T.
Identifiers: ClinVar variation 2625700 (VCV002625700.2), dbSNP rs868622074, ClinGen allele CA338331537.

ClinVar aggregate classification (germline): Uncertain significance (1 of 4 stars; one submission).

gnomAD v4.1: 1 of 1,613,186 alleles (0.000062%); no homozygotes.

Submission:

Ambry Genetics
Classification: Uncertain significance. Last evaluated: 2023-07-18. Review status: criteria provided, single submitter. Criteria: Ambry Variant Classification Scheme 2023. Collection method: clinical testing. Allele origin: germline.
Comment: The p.K261T variant (also known as c.782A>C), located in coding exon 7 of the KIF1B gene, results from an A to C substitution at nucleotide position 782. The lysine at codon 261 is replaced by threonine, an amino acid with similar properties. This amino acid position is highly conserved in available vertebrate species. In addition, this alteration is predicted to be tolerated by in silico analysis. The evidence for this gene-disease relationship is limited; therefore, the clinical significance of this alteration is unclear.